The following is an entry in ClinVar:

NM_001130823.3(DNMT1):c.153A>T (p.Glu51Asp)

Gene: DNMT1 (DNA methyltransferase 1; minus strand). Cytogenetic location: 19p13.2.
Variant type: single nucleotide variant.
Coding change: c.153A>T on transcript NM_001130823.3 (MANE Select); coding-DNA position 153, A replaced by T.
Protein change: p.Glu51Asp; replaces glutamic acid 51 with aspartic acid.
Molecular consequence: missense variant. On other transcripts: 5 prime UTR variant (1).
Genome position (GRCh38, 1-based): chr19:10,180,850, T>A on the plus strand (A>T on the coding strand, the complement: DNMT1 is on the minus strand). VCF-style: chr19-10180850-T-A. GRCh37 (hg19) VCF-style: chr19-10291526-T-A.
Other names: c.153A>T, p.Glu51Asp (NM_001318730.2, NM_001379.4); c.-171A>T (NM_001318731.2); short protein forms E51D.
Identifiers: ClinVar variation 2137358 (VCV002137358.4), dbSNP rs1401965330, ClinGen allele CA403947231.

ClinVar aggregate classification (germline): Uncertain significance (1 of 4 stars; one submission).

Conditions:
Hereditary sensory neuropathy-deafness-dementia syndrome. Also called: HSN IE; Hereditary sensory neuropathy type IE; NEUROPATHY, HEREDITARY SENSORY, WITH HEARING LOSS AND DEMENTIA; Hereditary Sensory and Autonomic Neuropathy Type 1E (HSAN1E). Identifiers: Orphanet 456318, MedGen C3279885, MONDO:0013584, OMIM 614116.

Allele frequency attached by ClinVar (database versions not stated): gnomAD 0.00001; gnomAD exomes 0.00001; TOPMed 0.00001.
gnomAD v4.1: 7 of 1,614,084 alleles (0.00043%); highest among the groups gnomAD compares: Non-Finnish European, 0.00059%; no homozygotes.

Submission:

Labcorp Genetics (formerly Invitae), Labcorp
Classification: Uncertain significance for Hereditary sensory neuropathy-deafness-dementia syndrome. Last evaluated: 2023-03-19. Review status: criteria provided, single submitter. Criteria: Invitae Variant Classification Sherloc (09022015). Collection method: clinical testing. Allele origin: germline.
Comment: This sequence change replaces glutamic acid, which is acidic and polar, with aspartic acid, which is acidic and polar, at codon 51 of the DNMT1 protein (p.Glu51Asp). This variant is present in population databases (no rsID available, gnomAD 0.0009%). This variant has not been reported in the literature in individuals affected with DNMT1-related conditions. ClinVar contains an entry for this variant (Variation ID: 2137358). Advanced modeling of protein sequence and biophysical properties (such as structural, functional, and spatial information, amino acid conservation, physicochemical variation, residue mobility, and thermodynamic stability) performed at Invitae indicates that this missense variant is not expected to disrupt DNMT1 protein function. Algorithms developed to predict the effect of sequence changes on RNA splicing suggest that this variant may create or strengthen a splice site. In summary, the available evidence is currently insufficient to determine the role of this variant in disease. Therefore, it has been classified as a Variant of Uncertain Significance.